The following is an entry in ClinVar:

NM_019892.6(INPP5E):c.1838T>C (p.Leu613Pro)

Gene: INPP5E (inositol polyphosphate-5-phosphatase E; minus strand). Cytogenetic location: 9q34.3.
Variant type: single nucleotide variant.
Coding change: c.1838T>C on transcript NM_019892.6 (MANE Select); coding-DNA position 1838, T replaced by C.
Protein change: p.Leu613Pro; replaces leucine 613 with proline.
Molecular consequence: missense variant.
Genome position (GRCh38, 1-based): chr9:136,429,772, A>G on the plus strand (T>C on the coding strand, the complement: INPP5E is on the minus strand). VCF-style: chr9-136429772-A-G. GRCh37 (hg19) VCF-style: chr9-139324224-A-G.
Other names: c.1835T>C, p.Leu612Pro (NM_001318502.2); short protein forms L612P, L613P.
Identifiers: ClinVar variation 4982503 (VCV004982503.1).

ClinVar aggregate classification (germline): Uncertain significance (1 of 4 stars; one submission).

Conditions:
INPP5E-related disorder. Also called: INPP5E-related condition.

gnomAD v4.1: 3 of 1,613,120 alleles (0.00019%); highest among the groups gnomAD compares: Admixed American, 0.0017%; no homozygotes.

Submission:

PreventionGenetics, part of Exact Sciences
Classification: Uncertain significance for INPP5E-related condition. Last evaluated: 2026-02-02. Review status: criteria provided, single submitter. Criteria: ACMG Guidelines, 2015. Collection method: clinical testing. Allele origin: germline.
Comment: The INPP5E c.1838T>C variant is predicted to result in the amino acid substitution p.Leu613Pro. To our knowledge, this variant has not been reported in the literature. This variant is reported in 0.0029% of alleles in individuals of Latino descent in gnomAD. At this time, the clinical significance of this variant is uncertain due to the absence of conclusive functional and genetic evidence.